The following is an entry in ClinVar:

ClinVar aggregate classification (germline): Conflicting classifications of pathogenicity. Review status: criteria provided, conflicting classifications (1 of 4 stars). 5 submissions from 5 submitters: Uncertain significance (4); Likely benign (1). Last evaluated 2025-01-19.

Conditions:
Hereditary cancer-predisposing syndrome. Also called: Hereditary Cancer Syndrome; Neoplastic Syndromes, Hereditary; Tumor predisposition; Hereditary neoplastic syndrome. Identifiers: Orphanet 140162, MedGen C0027672, MeSH D009386, MONDO:0015356.
Ataxia-telangiectasia syndrome (AT). Also called: Ataxia telangiectasia (A-T); Ataxia-telangiectasia, complementation group E; LOUIS-BAR SYNDROME; Cerebello-oculocutaneous telangiectasia; Immunodeficiency with ataxia telangiectasia; Ataxia-telangiectasia, complementation group D. Identifiers: Orphanet 100, MedGen C0004135, MONDO:0008840, OMIM 208900.

Allele frequency attached by ClinVar (database versions not stated): gnomAD exomes below 0.00001; TOPMed below 0.00001; ExAC 0.00001.
gnomAD v4.1: 2 of 1,613,504 alleles (0.00012%); highest among the groups gnomAD compares: Non-Finnish European, 0.00017%; no homozygotes.

Submissions (5):

Ambry Genetics
Classification: Likely benign for Hereditary cancer-predisposing syndrome. Last evaluated: 2025-01-19. Review status: criteria provided, single submitter. Criteria: Ambry Variant Classification Scheme 2023. Collection method: clinical testing. Allele origin: germline.

Labcorp Genetics (formerly Invitae), Labcorp
Classification: Uncertain significance for Ataxia-telangiectasia syndrome. Last evaluated: 2024-10-16. Review status: criteria provided, single submitter. Criteria: Invitae Variant Classification Sherloc (09022015). Collection method: clinical testing. Allele origin: germline.
Comment: This sequence change replaces isoleucine, which is neutral and non-polar, with valine, which is neutral and non-polar, at codon 1147 of the ATM protein (p.Ile1147Val). This variant is present in population databases (rs769853739, gnomAD 0.0009%). This variant has not been reported in the literature in individuals affected with ATM-related conditions. ClinVar contains an entry for this variant (Variation ID: 232715). Invitae Evidence Modeling of protein sequence and biophysical properties (such as structural, functional, and spatial information, amino acid conservation, physicochemical variation, residue mobility, and thermodynamic stability) indicates that this missense variant is not expected to disrupt ATM protein function with a negative predictive value of 95%. In summary, the available evidence is currently insufficient to determine the role of this variant in disease. Therefore, it has been classified as a Variant of Uncertain Significance.

Color Diagnostics, LLC DBA Color Health
Classification: Uncertain significance for Hereditary cancer-predisposing syndrome. Last evaluated: 2023-12-05. Review status: criteria provided, single submitter. Criteria: ACMG Guidelines, 2015. Collection method: clinical testing. Allele origin: germline.
Comment: This missense variant replaces isoleucine with valine at codon 1147 of the ATM protein. Computational prediction tools and conservation analyses suggest that this variant may not impact the protein function. Computational splicing tools suggest that this variant may not impact RNA splicing. To our knowledge, functional assays have not been performed for this variant nor has this variant been reported in individuals affected with hereditary cancer in the literature. This variant has been identified in 1/251148 chromosomes in the general population by the Genome Aggregation Database (gnomAD). Available evidence is insufficient to determine the role of this variant in disease conclusively. Therefore, this variant is classified as a Variant of Uncertain Significance.

Sema4
Classification: Uncertain significance for Hereditary cancer-predisposing syndrome. Last evaluated: 2021-09-02. Review status: criteria provided, single submitter. Criteria: Sema4 Curation Guidelines. Collection method: curation. Allele origin: germline.
Comment: The ATM c.3439A>G (p.I1147V) variant has not been reported in the literature to our knowledge. It was observed in 1/113610 chromosomes of the Non-Finnish European subpopulation in the large and broad cohorts of the Genome Aggregation Database (PMID: 32461654). The variant has been reported in ClinVar (Variation ID 232715). Functional studies have not been performed, and in silico predictions of the variant's effect on protein function are benign. The evidence is insufficient to meet ACMG/AMP criteria for classifying the variant as benign or pathogenic. Thus, the clinical significance of this variant is currently uncertain.

GeneDx
Classification: Uncertain significance. Last evaluated: 2019-12-09. Review status: criteria provided, single submitter. Criteria: GeneDx Variant Classification Process June 2021. Collection method: clinical testing. Allele origin: germline. Affected: yes.
Comment: Has not been previously published as pathogenic or benign to our knowledge; Not observed at a significant frequency in large population cohorts (Lek 2016); In silico analysis, which includes protein predictors and evolutionary conservation, supports that this variant does not alter protein structure/function

NM_000051.4(ATM):c.3439A>G (p.Ile1147Val)

Gene: ATM (ATM serine/threonine kinase; plus strand). Cytogenetic location: 11q22.3.
Variant type: single nucleotide variant.
Coding change: c.3439A>G on transcript NM_000051.4 (MANE Select); coding-DNA position 3439, A replaced by G.
Protein change: p.Ile1147Val; replaces isoleucine 1147 with valine.
Molecular consequence: missense variant.
Genome position (GRCh38, 1-based): chr11:108,281,031, A>G. VCF-style: chr11-108281031-A-G. GRCh37 (hg19) VCF-style: chr11-108151758-A-G.
Other names: c.3439A>G, p.Ile1147Val (NM_001351834.2); short protein forms I1147V.
Identifiers: ClinVar variation 232715 (VCV000232715.23), dbSNP rs769853739, ClinGen allele CA6265293.